The following is an entry in ClinVar:

NM_000525.4(KCNJ11):c.488T>C (p.Met163Thr)

Gene: KCNJ11 (potassium inwardly rectifying channel subfamily J member 11; minus strand). Cytogenetic location: 11p15.1.
Variant type: single nucleotide variant.
Coding change: c.488T>C on transcript NM_000525.4 (MANE Select); coding-DNA position 488, T replaced by C.
Protein change: p.Met163Thr; replaces methionine 163 with threonine.
Molecular consequence: missense variant.
Genome position (GRCh38, 1-based): chr11:17,387,604, A>G on the plus strand (T>C on the coding strand, the complement: KCNJ11 is on the minus strand). VCF-style: chr11-17387604-A-G. GRCh37 (hg19) VCF-style: chr11-17409151-A-G.
Other names: c.227T>C, p.Met76Thr (NM_001166290.2, NM_001377296.1, NM_001377297.1); short protein forms M163T, M76T.
Identifiers: ClinVar variation 1675450 (VCV001675450.33), dbSNP rs2133380206, ClinGen allele CA379773287.

ClinVar aggregate classification (germline): Uncertain significance (1 of 4 stars; one submission).

Submission:

CeGaT Center for Human Genetics Tuebingen
Classification: Uncertain significance. Last evaluated: 2022-03-01. Review status: criteria provided, single submitter. Criteria: CeGaT Center For Human Genetics Tuebingen Variant Classification Criteria Version 2. Collection method: clinical testing. Allele origin: germline. Affected: yes. Observed: 1 variant allele.
Comment: KCNJ11: PM2, PP3, PP4